The following is an entry in ClinVar:

NM_000186.4(CFH):c.2957-7A>G

Gene: CFH (complement factor H; plus strand). Cytogenetic location: 1q31.3.
Variant type: single nucleotide variant.
Coding change: c.2957-7A>G on transcript NM_000186.4 (MANE Select); 7 bases into the intron before coding-DNA position 2957, A replaced by G.
Molecular consequence: intron variant.
Genome position (GRCh38, 1-based): chr1:196,741,868, A>G. VCF-style: chr1-196741868-A-G. GRCh37 (hg19) VCF-style: chr1-196710998-A-G.
Identifiers: ClinVar variation 294512 (VCV000294512.15), dbSNP rs190778135, ClinGen allele CA1305802.

ClinVar aggregate classification (germline): Conflicting classifications of pathogenicity. Review status: criteria provided, conflicting classifications (1 of 4 stars). 7 submissions from 4 submitters: Uncertain significance (3); Benign (1); Likely benign (2). 1 of the submissions does not count toward it. Last evaluated 2025-12-22.

Conditions:
Basal laminar drusen. Also called: DRUSEN OF BRUCH MEMBRANE; DRUSEN, CUTICULAR; DRUSEN, EARLY ADULT-ONSET, GROUPED. Identifiers: Orphanet 75376, MedGen C0730295, MONDO:0007472, OMIM 126700.
CFH-related disorder. Also called: CFH-related condition; CFH-related disorders.
Atypical hemolytic-uremic syndrome. Identifiers: Orphanet 2134, MedGen C2931788, MONDO:0016244.
Age related macular degeneration 4. Identifiers: MedGen C1853147, MONDO:0012540, OMIM 610698.
Hemolytic uremic syndrome, atypical, susceptibility to, 1. Also called: AHUS, SUSCEPTIBILITY TO, 1. Identifiers: Orphanet 2134, Orphanet 90038, MedGen C2749604, MONDO:0009335, OMIM 235400. Disease mechanism: Other.
CFH-Related Dense Deposit Disease / Membranoproliferative Glomerulonephritis Type II. Identifiers: MedGen CN071292.

Allele frequency attached by ClinVar (database versions not stated): gnomAD exomes 0.00012 and 0.00018; ExAC 0.00021; ESP Exome Variant Server 0.00031; gnomAD 0.00031; TOPMed 0.00031; 1000 Genomes Project 30x 0.00062; 1000 Genomes Project 0.00080.
gnomAD v4.1: 216 of 1,613,778 alleles (0.013%); highest among the groups gnomAD compares: African/African-American, 0.1%; no homozygotes.

Submissions (7):

Labcorp Genetics (formerly Invitae), Labcorp
Classification: Likely benign. Last evaluated: 2025-12-22. Review status: criteria provided, single submitter. Criteria: Invitae Variant Classification Sherloc (09022015). Collection method: clinical testing. Allele origin: germline.

Genomenon, Inc
Classification: Likely benign for Atypical hemolytic-uremic syndrome. Last evaluated: 2025-10-02. Review status: criteria provided, single submitter. Criteria: Genomenon Sequence Variant Interpretation Standards - Updated. Collection method: curation. Allele origin: germline. Affected: yes.
Comment: CFH c.2957-7A>G is an intronic variant located in intron 18. This variant has been observed in at least one proband affected with atypical hemolytic-uremic syndrome (PMID:36845135). In silico models agree that this variant is not damaging. This variant’s allele frequency in gnomAD is greater than expected for this disorder. In conclusion, we classify CFH c.2957-7A>G as a likely benign variant.

Illumina Laboratory Services, Illumina
Classification: Benign for Hemolytic uremic syndrome, atypical, susceptibility to, 1. Last evaluated: 2018-01-13. Review status: criteria provided, single submitter. Criteria: ICSL Variant Classification Criteria 13 December 2019. Collection method: clinical testing. Allele origin: germline.
Comment: This variant was observed in the ICSL laboratory as part of a predisposition screen in an ostensibly healthy population. It had not been previously curated by ICSL or reported in the Human Gene Mutation Database (HGMD: prior to June 1st, 2018), and was therefore a candidate for classification through an automated scoring system. Utilizing variant allele frequency, disease prevalence and penetrance estimates, and inheritance mode, an automated score was calculated to assess if this variant is too frequent to cause the disease. Based on the score and internal cut-off values, a variant classified as benign is not then subjected to further curation. The score for this variant resulted in a classification of benign for this disease.

Illumina Laboratory Services, Illumina
Classification: Uncertain significance for Age related macular degeneration 4. Last evaluated: 2018-01-13. Review status: criteria provided, single submitter. Criteria: ICSL Variant Classification Criteria 13 December 2019. Collection method: clinical testing. Allele origin: germline.

Illumina Laboratory Services, Illumina
Classification: Uncertain significance for Membranoproliferative glomerulonephritis with complement factor h deficiency. Last evaluated: 2018-01-13. Review status: criteria provided, single submitter. Criteria: ICSL Variant Classification Criteria 13 December 2019. Collection method: clinical testing. Allele origin: germline.

Illumina Laboratory Services, Illumina
Classification: Uncertain significance for Basal laminar drusen. Last evaluated: 2018-01-13. Review status: criteria provided, single submitter. Criteria: ICSL Variant Classification Criteria 13 December 2019. Collection method: clinical testing. Allele origin: germline.

PreventionGenetics, part of Exact Sciences
Classification: Likely benign for CFH-related condition. Last evaluated: 2019-08-28. Review status: no assertion criteria provided. Collection method: clinical testing. Allele origin: germline. Not counted in ClinVar's aggregate classification.
Comment: This variant is classified as likely benign based on ACMG/AMP sequence variant interpretation guidelines (Richards et al. 2015 PMID: 25741868, with internal and published modifications).

Literature cited by the submitters: PubMed 36845135 (cited by Genomenon, Inc).